The following is an entry in ClinVar:

ClinVar aggregate classification (germline): Uncertain significance (1 of 4 stars; one submission).

Conditions:
Severe combined immunodeficiency due to DNA-PKcs deficiency. Also called: IMMUNODEFICIENCY 26 WITH NEUROLOGIC ABNORMALITIES; Immunodeficiency 26 with or without neurologic abnormalities. Identifiers: Orphanet 317425, MedGen C4014833, MONDO:0014423, OMIM 615966.

Allele frequency attached by ClinVar (database versions not stated): TOPMed 0.00001; ExAC 0.00002; gnomAD 0.00002; gnomAD exomes 0.00002.
gnomAD v4.1: 27 of 1,612,412 alleles (0.0017%); highest among the groups gnomAD compares: East Asian, 0.027%; no homozygotes.

Submission:

Labcorp Genetics (formerly Invitae), Labcorp
Classification: Uncertain significance for Severe combined immunodeficiency due to DNA-PKcs deficiency. Last evaluated: 2024-02-24. Review status: criteria provided, single submitter. Criteria: Invitae Variant Classification Sherloc (09022015). Collection method: clinical testing. Allele origin: germline.
Comment: This sequence change replaces arginine, which is basic and polar, with tryptophan, which is neutral and slightly polar, at codon 2072 of the PRKDC protein (p.Arg2072Trp). This variant is present in population databases (rs758087772, gnomAD 0.003%). This variant has not been reported in the literature in individuals affected with PRKDC-related conditions. ClinVar contains an entry for this variant (Variation ID: 2059077). Advanced modeling of protein sequence and biophysical properties (such as structural, functional, and spatial information, amino acid conservation, physicochemical variation, residue mobility, and thermodynamic stability) performed at Invitae indicates that this missense variant is not expected to disrupt PRKDC protein function with a negative predictive value of 80%. In summary, the available evidence is currently insufficient to determine the role of this variant in disease. Therefore, it has been classified as a Variant of Uncertain Significance.

NM_006904.7(PRKDC):c.6214C>T (p.Arg2072Trp)

Gene: PRKDC (protein kinase, DNA-activated, catalytic subunit; minus strand). Cytogenetic location: 8q11.21.
Variant type: single nucleotide variant.
Coding change: c.6214C>T on transcript NM_006904.7 (MANE Select); coding-DNA position 6214, C replaced by T.
Protein change: p.Arg2072Trp; replaces arginine 2072 with tryptophan.
Molecular consequence: missense variant.
Genome position (GRCh38, 1-based): chr8:47,858,980, G>A on the plus strand (C>T on the coding strand, the complement: PRKDC is on the minus strand). VCF-style: chr8-47858980-G-A. GRCh37 (hg19) VCF-style: chr8-48771541-G-A.
Other names: c.6214C>T, p.Arg2072Trp (NM_001081640.2); short protein forms R2072W.
Identifiers: ClinVar variation 2059077 (VCV002059077.2), dbSNP rs758087772, ClinGen allele CA4740425.
Genomic context (GRCh38, chr8:47,858,980, plus strand): 5'-CATGCCGATTGAGCTCGTCCATCTCCAGCTCCAGCACATCATCATGCACCGTGGGGTCCC[G>A]CTGCTCCTGCGAAAGGGAGGGCCCAGGAGAGCAGAGGGTACAGTTAACATTCAGTGGACA-3'
Protein context (NP_008835.5, residues 2062-2082): ATGRFRRREQ[Arg2072Trp]DPTVHDDVLE